The following is an entry in ClinVar:

NM_001148.6(ANK2):c.2548+1442C>T

Gene: ANK2 (ankyrin 2; plus strand). Cytogenetic location: 4q26.
Variant type: single nucleotide variant.
Coding change: c.2548+1442C>T on transcript NM_001148.6 (MANE Select); 1442 bases into the intron after coding-DNA position 2548, C replaced by T.
Molecular consequence: intron variant.
Genome position (GRCh38, 1-based): chr4:113,304,281, C>T. VCF-style: chr4-113304281-C-T. GRCh37 (hg19) VCF-style: chr4-114225437-C-T.
Other names: c.2536+1442C>T (NM_001386186.2, NM_001386148.2); c.2338+1442C>T (NM_001354269.3); c.2512+1442C>T (NM_001386187.2); c.2506+1442C>T (NM_001386147.1, NM_001386160.1, NM_001354261.2); c.2485+1442C>T (NM_001354254.2, NM_001354239.2, NM_001354252.2 and 10 more transcripts); c.2386+1442C>T (NM_001354253.2, NM_001354270.2, NM_001354257.2 and 1 more transcripts); c.2461+1442C>T (NM_001354249.2, NM_001354266.2, NM_001354276.2 and 10 more transcripts); c.2362+1442C>T (NM_001386151.1, NM_001354260.2, NM_001354271.2); and 9 more.
Identifiers: ClinVar variation 4820386 (VCV004820386.1).

ClinVar aggregate classification (germline): Likely benign (1 of 4 stars; one submission).

Submission:

Molecular Diagnostic Laboratory for Inherited Cardiovascular Disease, Montreal Heart Institute
Classification: Likely benign. Last evaluated: 2026-03-27. Review status: criteria provided, single submitter. Criteria: ACMG Guidelines, 2015. Collection method: clinical testing. Allele origin: germline. Affected: no.
Comment: PM2